The following is an entry in ClinVar:

NM_001267550.2(TTN):c.71528_71531dup (p.Ile23845fs)

Genes: TTN (titin; minus strand), TTN-AS1 (TTN antisense RNA 1; plus strand). Cytogenetic location: 2q31.2.
Variant type: Duplication.
Coding change: c.71528_71531dup on transcript NM_001267550.2 (MANE Select); coding-DNA positions 71528 to 71531, 4 bases duplicated (TGAC; older notation c.71528_71531dupTGAC).
Protein change: p.Ile23845fs; shifts the reading frame from isoleucine 23845.
Molecular consequence: frameshift variant.
Genome position (GRCh38, 1-based): chr2:178,574,601-178,574,604, GTCA duplicated on the plus strand (TGAC on the coding strand, the reverse complement: TTN is on the minus strand). VCF-style (leftmost placement, unchanged base first): chr2-178574600-T-TGTCA. GRCh37 (hg19) VCF-style: chr2-179439327-T-TGTCA.
Other names: c.66605_66608dup, p.Ile22204fs (NM_001256850.1); c.44333_44336dup, p.Ile14780fs (NM_003319.4); c.63824_63827dup, p.Ile21277fs (NM_133378.4); c.44708_44711dup, p.Ile14905fs (NM_133432.3); c.44909_44912dup, p.Ile14972fs (NM_133437.4); short protein forms I14780fs, I14905fs, I14972fs, I21277fs, I22204fs, I23845fs.
Identifiers: ClinVar variation 3757447 (VCV003757447.2).

ClinVar aggregate classification (germline): Likely pathogenic (1 of 4 stars; one submission).

Conditions:
Dilated cardiomyopathy 1G (CMD1G). Identifiers: Orphanet 154, MedGen C1858763, MONDO:0011400, OMIM 604145.
Autosomal recessive limb-girdle muscular dystrophy type 2J (LGMDR10). Also called: Limb-girdle muscular dystrophy, type 2J; MUSCULAR DYSTROPHY, LIMB-GIRDLE, AUTOSOMAL RECESSIVE 10. Identifiers: Orphanet 140922, MedGen C1837342, MONDO:0012127, OMIM 608807.

Submission:

Labcorp Genetics (formerly Invitae), Labcorp
Classification: Likely pathogenic for Dilated cardiomyopathy 1G; Autosomal recessive limb-girdle muscular dystrophy type 2J. Last evaluated: 2024-07-30. Review status: criteria provided, single submitter. Criteria: Invitae Variant Classification Sherloc (09022015). Collection method: clinical testing. Allele origin: germline.
Comment: This sequence change creates a premature translational stop signal (p.Ile23845Aspfs*3) in the TTN gene. While this is not anticipated to result in nonsense mediated decay, it is expected to create a truncated TTN protein. This variant is not present in population databases (gnomAD no frequency). This variant has not been reported in the literature in individuals affected with TTN-related conditions. This variant is located in the A band of TTN (PMID: 25589632). Truncating variants in this region are significantly overrepresented in patients affected with dilated cardiomyopathy (PMID: 25589632). Truncating variants in this region have also been reported in individuals affected with autosomal recessive centronuclear myopathy (PMID: 23975875). In summary, the currently available evidence indicates that the variant is pathogenic, but additional data are needed to prove that conclusively. Therefore, this variant has been classified as Likely Pathogenic.

Literature cited by the submitters: PubMed 25589632; PubMed 23975875.